The following is an entry in ClinVar:

NM_000219.6(KCNE1):c.16A>T (p.Thr6Ser)

Gene: KCNE1 (potassium voltage-gated channel subfamily E regulatory subunit 1; minus strand). Cytogenetic location: 21q22.12.
Variant type: single nucleotide variant.
Coding change: c.16A>T on transcript NM_000219.6 (MANE Select); coding-DNA position 16, A replaced by T.
Protein change: p.Thr6Ser; replaces threonine 6 with serine.
Molecular consequence: missense variant.
Genome position (GRCh38, 1-based): chr21:34,449,619, T>A on the plus strand (A>T on the coding strand, the complement: KCNE1 is on the minus strand). VCF-style: chr21-34449619-T-A. GRCh37 (hg19) VCF-style: chr21-35821917-T-A.
Other names: c.16A>T, p.Thr6Ser (NM_001127668.4, NM_001127669.4, NM_001127670.4 and 4 more transcripts); short protein forms T6S.
Identifiers: ClinVar variation 3374215 (VCV003374215.2).

Conditions:
Long QT syndrome 5 (LQT5). Identifiers: Orphanet 101016, Orphanet 768, MedGen C1867904, MONDO:0013372, OMIM 613695.

Submission:

Roden Lab, Vanderbilt University Medical Center
No classification provided (evidence only). Condition: Long QT syndrome 5. Review status: no classification provided. Collection method: in vitro. Allele origin: not applicable. Functional consequence: Effect on ion channel function.
ClinVar note: "not provided" was previously submitted as the classification for the variant. However, the classification appeared to be based only on an observation of functional data so it was converted to no classification on 2025-07-30.